The following is an entry in ClinVar:

NM_001852.4(COL9A2):c.-11del

Gene: COL9A2 (collagen type IX alpha 2 chain; minus strand). Cytogenetic location: 1p34.2.
Variant type: Deletion.
Coding change: c.-11del on transcript NM_001852.4 (MANE Select); 11 bases upstream of the start codon, one base deleted (C; older notation c.-11delC).
Molecular consequence: 5 prime UTR variant.
Genome position (GRCh38, 1-based): chr1:40,317,208, G deleted on the plus strand (C on the coding strand, the reverse complement: COL9A2 is on the minus strand). VCF-style (leftmost placement, unchanged base first): chr1-40317207-CG-C. GRCh37 (hg19) VCF-style: chr1-40782879-CG-C.
Other names: c.-11_-11delC (NM_001852.3); c.-11delC (NM_001852.4).
Identifiers: ClinVar variation 422832 (VCV000422832.3), dbSNP rs757956892, ClinGen allele CA792143.

ClinVar aggregate classification (germline): Benign/Likely benign. Review status: criteria provided, multiple submitters, no conflicts (2 of 4 stars). 3 submissions from 3 submitters: Benign (1); Likely benign (2). Last evaluated 2026-02-02.

Allele frequency attached by ClinVar (database versions not stated): gnomAD exomes 0.00064 and 0.00139; gnomAD 0.00070 and 0.00073; TOPMed 0.00072; ExAC 0.00081; ESP Exome Variant Server 0.00156.

Submissions (3):

Women's Health and Genetics/Laboratory Corporation of America, LabCorp
Classification: Benign. Last evaluated: 2026-02-02. Review status: criteria provided, single submitter. Criteria: LabCorp Variant Classification Summary - May 2015. Collection method: clinical testing. Allele origin: germline.
Comment: Variant summary: COL9A2 c.-11delC is located in the untranslated mRNA region upstream of the initiation codon. The variant allele was found at a frequency of 0.0013 in 1559086 control chromosomes, predominantly at a frequency of 0.0017 within the Non-Finnish European subpopulation in the gnomAD database (v4.1 dataset), including 2 homozygotes. The observed variant frequency within Non-Finnish European control individuals in the gnomAD database exceeds the estimated maximal expected allele frequency for disease-causing variants in COL9A2. To our knowledge, no occurrence of c.-11delC in individuals affected with COL9A2-related conditions and no experimental evidence demonstrating its impact on protein function have been reported. ClinVar contains an entry for this variant (Variation ID: 422832). Based on the evidence outlined above, the variant was classified as benign.

Blueprint Genetics
Classification: Likely benign. Last evaluated: 2024-11-19. Review status: criteria provided, single submitter. Criteria: ACMG Guidelines, 2015. Collection method: clinical testing. Allele origin: germline.

GeneDx
Classification: Likely benign. Last evaluated: 2018-02-08. Review status: criteria provided, single submitter. Criteria: GeneDx Variant Classification (06012015). Collection method: clinical testing. Allele origin: germline. Affected: yes.
Comment: This variant is considered likely benign or benign based on one or more of the following criteria: it is a conservative change, it occurs at a poorly conserved position in the protein, it is predicted to be benign by multiple in silico algorithms, and/or has population frequency not consistent with disease.